The following is an entry in ClinVar:

NC_000017.10:g.(?_79618104)_(79674270_?)del

Genes: ARL16 (ARF like GTPase 16; minus strand), CCDC137 (coiled-coil domain containing 137; plus strand), HGS (hepatocyte growth factor-regulated tyrosine kinase substrate; plus strand), MRPL12 (mitochondrial ribosomal protein L12; plus strand), OXLD1 (oxidoreductase like domain containing 1; minus strand) and 1 more. Cytogenetic location: 17q25.3.
Variant type: Deletion.
Identifiers: ClinVar variation 2424499 (VCV002424499.4).

ClinVar aggregate classification (germline): Pathogenic (1 of 4 stars; one submission).

Submission:

Labcorp Genetics (formerly Invitae), Labcorp
Classification: Pathogenic. Last evaluated: 2022-08-02. Review status: criteria provided, single submitter. Criteria: Invitae Variant Classification Sherloc (09022015). Collection method: clinical testing. Allele origin: germline.
Comment: A gross deletion of the genomic region encompassing the full coding sequence of the PDE6G gene has been identified. Loss-of-function variants in PDE6G are known to be pathogenic (PMID: 20655036, 25097241, 30902645). The boundaries of this event are unknown as they extend beyond the assayed region for this gene and therefore may encompass additional genes. This variant has not been reported in the literature in individuals affected with PDE6G-related conditions. For these reasons, this variant has been classified as Pathogenic.

Literature cited by the submitters: PubMed 20655036; PubMed 25097241; PubMed 30902645.